The following is an entry in ClinVar:

NM_015629.4(PRPF31):c.1074-2A>G

Gene: PRPF31 (pre-mRNA processing factor 31; plus strand). Cytogenetic location: 19q13.42.
Variant type: single nucleotide variant.
Coding change: c.1074-2A>G on transcript NM_015629.4 (MANE Select); the canonical splice acceptor site of the intron before coding-DNA position 1074, A replaced by G.
Molecular consequence: splice acceptor variant.
Genome position (GRCh38, 1-based): chr19:54,128,303, A>G. VCF-style: chr19-54128303-A-G. GRCh37 (hg19) VCF-style: chr19-54631678-A-G.
Identifiers: ClinVar variation 813074 (VCV000813074.4), dbSNP rs1314226094, ClinGen allele CA407753561.

ClinVar aggregate classification (germline): Pathogenic. Review status: criteria provided, multiple submitters, no conflicts (2 of 4 stars). 3 submissions from 3 submitters: Pathogenic (3). Last evaluated 2022-02-03.

Conditions:
Retinitis pigmentosa (RP). Identifiers: Orphanet 791, MedGen C0035334, MeSH D012174, MONDO:0019200, OMIM 268000. Inheritance: Autosomal dominant, autosomal recessive and X linked inheritance.
Retinal dystrophy. Also called: Inherited retinal dystrophy. Identifiers: Orphanet 71862, MedGen C0854723, MeSH D058499, MONDO:0019118, HP:0000556.

Allele frequency attached by ClinVar (database versions not stated): TOPMed 0.00001; gnomAD 0.00003.

Submissions (3):

GeneDx
Classification: Pathogenic. Last evaluated: 2022-02-03. Review status: criteria provided, single submitter. Criteria: GeneDx Variant Classification Process June 2021. Collection method: clinical testing. Allele origin: germline. Affected: yes.
Comment: Canonical splice site variant predicted to result in a null allele in a gene for which loss-of-function is a known mechanism of disease; Not observed at significant frequency in large population cohorts (gnomAD); Has not been previously published as pathogenic or benign to our knowledge; This variant is associated with the following publications: (PMID: 32531858)

Institute of Human Genetics, Univ. Regensburg, Univ. Regensburg
Classification: Pathogenic for Retinal dystrophy. Last evaluated: 2021-01-01. Review status: criteria provided, single submitter. Criteria: ACMG Guidelines, 2015. Collection method: clinical testing. Allele origin: germline. Affected: yes.

Molecular Genetics Laboratory, Institute for Ophthalmic Research
Classification: Pathogenic for Retinitis pigmentosa. Last evaluated: 2020-01-09. Review status: criteria provided, single submitter. Criteria: ACMG Guidelines, 2015. Collection method: research. Allele origin: germline. Affected: yes.

Literature cited by the submitters: PubMed 32531858 (cited by Institute of Human Genetics, Univ. Regensburg, Univ. Regensburg); PubMed 33749171 (cited by Institute of Human Genetics, Univ. Regensburg, Univ. Regensburg); PubMed 35836572 (cited by Institute of Human Genetics, Univ. Regensburg, Univ. Regensburg).